The following is an entry in ClinVar:

NM_139276.3(STAT3):c.1915C>A (p.Pro639Thr)

Gene: STAT3 (signal transducer and activator of transcription 3; minus strand). Cytogenetic location: 17q21.2.
Variant type: single nucleotide variant.
Coding change: c.1915C>A on transcript NM_139276.3 (MANE Select); coding-DNA position 1915, C replaced by A.
Protein change: p.Pro639Thr; replaces proline 639 with threonine.
Molecular consequence: missense variant.
Genome position (GRCh38, 1-based): chr17:42,322,468, G>T on the plus strand (C>A on the coding strand, the complement: STAT3 is on the minus strand). VCF-style: chr17-42322468-G-T. GRCh37 (hg19) VCF-style: chr17-40474486-G-T.
Other names: c.1915C>A, p.Pro639Thr (NM_001369512.1, NM_001369513.1, NM_001369514.1 and 9 more transcripts); c.1855C>A, p.Pro619Thr (NM_001384992.1); c.1831C>A, p.Pro611Thr (NM_001384984.1); c.1837C>A, p.Pro613Thr (NM_001384985.1); c.1930C>A, p.Pro644Thr (NM_001384986.1, NM_001384990.1); c.1894C>A, p.Pro632Thr (NM_001384987.1); c.1819C>A, p.Pro607Thr (NM_001384989.1); c.1888C>A, p.Pro630Thr (NM_001384991.1); short protein forms P619T, P632T, P639T, P607T, P611T, P613T, P630T, P644T.
Identifiers: ClinVar variation 2138013 (VCV002138013.5), dbSNP rs2144683531, ClinGen allele CA399582472.

ClinVar aggregate classification (germline): Pathogenic/Likely pathogenic. Review status: criteria provided, multiple submitters, no conflicts (2 of 4 stars). 2 submissions from 2 submitters: Pathogenic (1); Likely pathogenic (1). Last evaluated 2025-04-30.

Conditions:
STAT3-related disorder. Also called: STAT3-related condition.
Hyper-IgE recurrent infection syndrome 1, autosomal dominant. Also called: Hyper-IgE recurrent infection syndrome 1; HYPER-IgE SYNDROME 1, AUTOSOMAL DOMINANT, WITH RECURRENT INFECTIONS; STAT3 Hyper IgE Syndrome; JOB SYNDROME; Job's Syndrome. Identifiers: Orphanet 2314, MedGen C2936739, MONDO:0007818, OMIM 147060.
STAT3 gain of function. Identifiers: MedGen C4288261.

Submissions (2):

PreventionGenetics, part of Exact Sciences
Classification: Likely pathogenic for STAT3-related condition. Last evaluated: 2025-04-30. Review status: criteria provided, single submitter. Criteria: ACMG Guidelines, 2015. Collection method: clinical testing. Allele origin: germline.
Comment: The STAT3 c.1915C>A variant is predicted to result in the amino acid substitution p.Pro639Thr. This variant has been reported in an individual with hyper-IgE syndrome (Freeman et al. 2013. PMID: 23584561). This variant has not been reported in a large population database (gnomAD), indicating this variant is rare. Other variants at the same amino acid position [p. (Pro639Ser), p.(Pro639Ala), and p.(Pro639Gln)] have been reported in individuals with hyperimmunoglobulin E syndrome (for example, Chandesris et al. 2012. PubMed ID: 22751495; Li et al. 2025. PMID: 40028518; Woellner et al. 2010. PubMed ID: 20159255; Holland et al. 2007. PubMed ID: 17881745; Flinn et al. 2016. PubMed ID: 26743515). This variant is interpreted as likely pathogenic.

Labcorp Genetics (formerly Invitae), Labcorp
Classification: Pathogenic for STAT3 gain of function; Hyper-IgE recurrent infection syndrome 1, autosomal dominant. Last evaluated: 2025-01-13. Review status: criteria provided, single submitter. Criteria: Invitae Variant Classification Sherloc (09022015). Collection method: clinical testing. Allele origin: germline.
Comment: This sequence change replaces proline, which is neutral and non-polar, with threonine, which is neutral and polar, at codon 639 of the STAT3 protein (p.Pro639Thr). This variant is not present in population databases (gnomAD no frequency). This missense change has been observed in individuals with hyper-IgE syndrome (PMID: 22751495, 23584561). ClinVar contains an entry for this variant (Variation ID: 2138013). Invitae Evidence Modeling of protein sequence and biophysical properties (such as structural, functional, and spatial information, amino acid conservation, physicochemical variation, residue mobility, and thermodynamic stability) indicates that this missense variant is expected to disrupt STAT3 protein function with a positive predictive value of 80%. This variant disrupts the p.Pro639 amino acid residue in STAT3. Other variant(s) that disrupt this residue have been determined to be pathogenic (PMID: 17881745, 20159255, 26743515, 27884935; internal data). This suggests that this residue is clinically significant, and that variants that disrupt this residue are likely to be disease-causing. For these reasons, this variant has been classified as Pathogenic.

Literature cited by the submitters: PubMed 22751495 (cited by Labcorp Genetics (formerly Invitae), Labcorp); PubMed 23584561 (cited by Labcorp Genetics (formerly Invitae), Labcorp); PubMed 17881745 (cited by Labcorp Genetics (formerly Invitae), Labcorp); PubMed 20159255 (cited by Labcorp Genetics (formerly Invitae), Labcorp); PubMed 26743515 (cited by Labcorp Genetics (formerly Invitae), Labcorp); PubMed 27884935 (cited by Labcorp Genetics (formerly Invitae), Labcorp).